The following is an entry in ClinVar:

ClinVar aggregate classification (germline): Benign (1 of 4 stars; one submission).

Conditions:
Primary ciliary dyskinesia 14. Also called: CILIARY DYSKINESIA, PRIMARY, 14, WITH OR WITHOUT SITUS INVERSUS. Identifiers: Orphanet 244, MedGen C3151136, MONDO:0013434, OMIM 613807.

Allele frequency attached by ClinVar (database versions not stated): gnomAD 0.00489 and 0.00525; gnomAD exomes 0.00063; 1000 Genomes Project 0.00359; TOPMed 0.00526; 1000 Genomes Project 30x 0.00531.
gnomAD v4.1: 753 of 185,742 alleles (0.41%); highest among the groups gnomAD compares: African/African-American, 1.7%; 6 homozygotes.

Submission:

Illumina Laboratory Services, Illumina
Classification: Benign for Primary ciliary dyskinesia 14. Last evaluated: 2017-05-09. Review status: criteria provided, single submitter. Criteria: ICSL Variant Classification Criteria 13 December 2019. Collection method: clinical testing. Allele origin: germline.
Comment: This variant was observed as part of a predisposition screen in an ostensibly healthy population. A literature search was performed for the gene, cDNA change, and amino acid change (where applicable). No publications were found based on this search. Allele frequency data from public databases was too high to be consistent with this variant causing disease. Therefore, this variant is classified as benign.

NM_181426.2(CCDC39):c.*800G>A

Genes: CCDC39 (coiled-coil domain 39 molecular ruler complex subunit; minus strand), TTC14 (tetratricopeptide repeat domain 14; plus strand). Cytogenetic location: 3q26.33.
Variant type: single nucleotide variant.
Coding change: c.*800G>A on transcript NM_181426.2 (MANE Select); 800 bases downstream of the stop codon, G replaced by A.
Molecular consequence: 3 prime UTR variant. On other transcripts: intron variant (1).
Genome position (GRCh38, 1-based): chr3:180,614,121, C>T on the plus strand (G>A on the coding strand, the complement: CCDC39 is on the minus strand). VCF-style: chr3-180614121-C-T. GRCh37 (hg19) VCF-style: chr3-180331909-C-T.
Other names: c.1775-3259C>T (NM_001288582.2).
Identifiers: ClinVar variation 900340 (VCV000900340.6), dbSNP rs114500310, ClinGen allele CA88625135.